The following is an entry in ClinVar:

NM_016335.6(PRODH):c.1612C>A (p.Leu538Met)

Gene: PRODH (proline dehydrogenase 1; minus strand). Cytogenetic location: 22q11.21.
Variant type: single nucleotide variant.
Coding change: c.1612C>A on transcript NM_016335.6 (MANE Select); coding-DNA position 1612, C replaced by A.
Protein change: p.Leu538Met; replaces leucine 538 with methionine.
Molecular consequence: missense variant.
Genome position (GRCh38, 1-based): chr22:18,913,441, G>T on the plus strand (C>A on the coding strand, the complement: PRODH is on the minus strand). VCF-style: chr22-18913441-G-T. GRCh37 (hg19) VCF-style: chr22-18900954-G-T.
Other names: c.1288C>A, p.Leu430Met (NM_001368250.2, NM_001195226.2); short protein forms L430M, L538M.
Identifiers: ClinVar variation 1714801 (VCV001714801.3), dbSNP rs2517446842, ClinGen allele CA410638610.

ClinVar aggregate classification (germline): Uncertain significance (1 of 4 stars; one submission).

Conditions:
Proline dehydrogenase deficiency (HYRPRO1). Also called: Hyperprolinemia type 1; PROLINE OXIDASE DEFICIENCY. Identifiers: Orphanet 419, MedGen C0268529, MONDO:0009400, OMIM 239500.

Submission:

Labcorp Genetics (formerly Invitae), Labcorp
Classification: Uncertain significance for Proline dehydrogenase deficiency. Last evaluated: 2022-07-15. Review status: criteria provided, single submitter. Criteria: Invitae Variant Classification Sherloc (09022015). Collection method: clinical testing. Allele origin: germline.
Comment: This sequence change replaces leucine, which is neutral and non-polar, with methionine, which is neutral and non-polar, at codon 538 of the PRODH protein (p.Leu538Met). This variant is not present in population databases (gnomAD no frequency). This variant has not been reported in the literature in individuals affected with PRODH-related conditions. Algorithms developed to predict the effect of missense changes on protein structure and function are either unavailable or do not agree on the potential impact of this missense change (SIFT: "Deleterious"; PolyPhen-2: "Probably Damaging"; Align-GVGD: "Class C0"). In summary, the available evidence is currently insufficient to determine the role of this variant in disease. Therefore, it has been classified as a Variant of Uncertain Significance.